The following is an entry in ClinVar:

ClinVar aggregate classification (germline): Uncertain significance (1 of 4 stars; one submission).

gnomAD v4.1: 21 of 1,613,582 alleles (0.0013%); highest among the groups gnomAD compares: Non-Finnish European, 0.0016%; no homozygotes.

Submission:

GeneDx
Classification: Uncertain significance. Last evaluated: 2024-07-30. Review status: criteria provided, single submitter. Criteria: GeneDx Variant Classification Process June 2021. Collection method: clinical testing. Allele origin: germline. Affected: yes.
Comment: Not observed at significant frequency in large population cohorts (gnomAD); In silico analysis indicates that this missense variant does not alter protein structure/function; Has not been previously published as pathogenic or benign to our knowledge

NM_019074.4(DLL4):c.1088C>T (p.Thr363Ile)

Gene: DLL4 (delta like canonical Notch ligand 4; plus strand). Cytogenetic location: 15q15.1.
Variant type: single nucleotide variant.
Coding change: c.1088C>T on transcript NM_019074.4 (MANE Select); coding-DNA position 1088, C replaced by T.
Protein change: p.Thr363Ile; replaces threonine 363 with isoleucine.
Molecular consequence: missense variant.
Genome position (GRCh38, 1-based): chr15:40,934,965, C>T. VCF-style: chr15-40934965-C-T. GRCh37 (hg19) VCF-style: chr15-41227163-C-T.
Other names: short protein forms T363I.
Identifiers: ClinVar variation 3602520 (VCV003602520.1).